The following is an entry in ClinVar:

ClinVar aggregate classification (germline): Conflicting classifications of pathogenicity. Review status: criteria provided, conflicting classifications (1 of 4 stars). 2 submissions from 2 submitters: Likely pathogenic (1); Uncertain significance (1). Last evaluated 2022-08-04.

Conditions:
Holoprosencephaly sequence (HPE). Also called: Holoprosencephaly. Identifiers: Orphanet 2162, MedGen C0079541, MONDO:0016296, HP:0001360.

Allele frequency attached by ClinVar (database versions not stated): gnomAD exomes below 0.00001 and 0.00001.

Submissions (2):

GeneDx
Classification: Uncertain significance. Last evaluated: 2022-08-04. Review status: criteria provided, single submitter. Criteria: GeneDx Variant Classification Process June 2021. Collection method: clinical testing. Allele origin: germline. Affected: yes.
Comment: Not observed at significant frequency in large population cohorts (gnomAD); Published functional studies suggest a damaging effect as in vivo functional studies show that p.T133M results in partial loss of function with an altered developmental phenotype (Hong et al., 2018); In silico analysis supports that this missense variant has a deleterious effect on protein structure/function; Observed in the homozygous state in a patient with holoprosencephaly (Roessler et al., 2018, Hong et al., 2018); This variant is associated with the following publications: (PMID: 29992659, 29584859)

Muenke lab, National Institutes of Health
Classification: Likely pathogenic for Holoprosencephaly sequence. Last evaluated: 2018-04-19. Review status: criteria provided, single submitter. Criteria: Submitter's publication. Collection method: research. Allele origin: not applicable. Inheritance: Autosomal recessive inheritance.
Comment: Consistent clinical findings. Meets experimental and ACMG criteria: PS3;PM2;PP2/PP3.

NM_033163.5(FGF8):c.398C>T (p.Thr133Met)

Gene: FGF8 (fibroblast growth factor 8; minus strand). Cytogenetic location: 10q24.32.
Variant type: single nucleotide variant.
Coding change: c.398C>T on transcript NM_033163.5 (MANE Select); coding-DNA position 398, C replaced by T.
Protein change: p.Thr133Met; replaces threonine 133 with methionine.
Molecular consequence: missense variant.
Genome position (GRCh38, 1-based): chr10:101,771,509, G>A on the plus strand (C>T on the coding strand, the complement: FGF8 is on the minus strand). VCF-style: chr10-101771509-G-A. GRCh37 (hg19) VCF-style: chr10-103531266-G-A.
Other names: c.398C>T (NM_033163.3); c.86C>T, p.Thr29Met (NM_001206389.2); c.311C>T, p.Thr104Met (NM_006119.6); c.365C>T, p.Thr122Met (NM_033164.4); c.278C>T, p.Thr93Met (NM_033165.5); short protein forms T122M, T133M, T104M, T93M, T29M.
Identifiers: ClinVar variation 545458 (VCV000545458.6), dbSNP rs61730334, ClinGen allele CA377834390.